The following is an entry in ClinVar:

ClinVar aggregate classification (germline): Uncertain significance. Review status: criteria provided, multiple submitters, no conflicts (2 of 4 stars). 2 submissions from 2 submitters: Uncertain significance (2). Last evaluated 2025-02-28.

Conditions:
Erythrocytosis, familial, 3 (ECYT3). Identifiers: Orphanet 247511, MedGen C1853286, MONDO:0012353, OMIM 609820.

Allele frequency attached by ClinVar (database versions not stated): TOPMed below 0.00001; gnomAD 0.00001; gnomAD exomes 0.00002.
gnomAD v4.1: 31 of 1,605,092 alleles (0.0019%); highest among the groups gnomAD compares: Non-Finnish European, 0.0026%; no homozygotes.

Submissions (2):

Ambry Genetics
Classification: Uncertain significance. Last evaluated: 2025-02-28. Review status: criteria provided, single submitter. Criteria: Ambry Variant Classification Scheme 2023. Collection method: clinical testing. Allele origin: germline.
Comment: The p.S166G variant (also known as c.496A>G), located in coding exon 1 of the EGLN1 gene, results from an A to G substitution at nucleotide position 496. The serine at codon 166 is replaced by glycine, an amino acid with similar properties. This amino acid position is conserved. In addition, this alteration is predicted to be tolerated by in silico analysis. Since supporting evidence is limited at this time, the clinical significance of this alteration remains unclear.

Labcorp Genetics (formerly Invitae), Labcorp
Classification: Uncertain significance for Erythrocytosis, familial, 3. Last evaluated: 2024-11-18. Review status: criteria provided, single submitter. Criteria: Invitae Variant Classification Sherloc (09022015). Collection method: clinical testing. Allele origin: germline.
Comment: This sequence change replaces serine, which is neutral and polar, with glycine, which is neutral and non-polar, at codon 166 of the EGLN1 protein (p.Ser166Gly). This variant is present in population databases (no rsID available, gnomAD 0.004%). This variant has not been reported in the literature in individuals affected with EGLN1-related conditions. ClinVar contains an entry for this variant (Variation ID: 2138806). An algorithm developed to predict the effect of missense changes on protein structure and function outputs the following: PolyPhen-2: "Benign". The glycine amino acid residue is found in multiple mammalian species, which suggests that this missense change does not adversely affect protein function. In summary, the available evidence is currently insufficient to determine the role of this variant in disease. Therefore, it has been classified as a Variant of Uncertain Significance.

NM_022051.3(EGLN1):c.496A>G (p.Ser166Gly)

Gene: EGLN1 (egl-9 family hypoxia inducible factor 1; minus strand). Cytogenetic location: 1q42.2.
Variant type: single nucleotide variant.
Coding change: c.496A>G on transcript NM_022051.3 (MANE Select); coding-DNA position 496, A replaced by G.
Protein change: p.Ser166Gly; replaces serine 166 with glycine.
Molecular consequence: missense variant.
Genome position (GRCh38, 1-based): chr1:231,421,393, T>C on the plus strand (A>G on the coding strand, the complement: EGLN1 is on the minus strand). VCF-style: chr1-231421393-T-C. GRCh37 (hg19) VCF-style: chr1-231557139-T-C.
Other names: c.496A>G, p.Ser166Gly (NM_001377260.1, NM_001377261.1); c.496A>G (NM_022051.2); short protein forms S166G.
Identifiers: ClinVar variation 2138806 (VCV002138806.8), dbSNP rs1489605305, ClinGen allele CA345236793.